The following is an entry in ClinVar:

NM_018089.3(ANKZF1):c.261G>A (p.Gln87=)

Gene: ANKZF1 (ankyrin repeat and zinc finger peptidyl tRNA hydrolase 1; plus strand). Cytogenetic location: 2q35.
Variant type: single nucleotide variant.
Coding change: c.261G>A on transcript NM_018089.3 (MANE Select); coding-DNA position 261, G replaced by A.
Protein change: p.Gln87=; no amino-acid change (glutamine 87 retained).
Molecular consequence: synonymous variant. On other transcripts: intron variant (1).
Genome position (GRCh38, 1-based): chr2:219,232,040, G>A. VCF-style: chr2-219232040-G-A. GRCh37 (hg19) VCF-style: chr2-220096762-G-A.
Other names: c.261G>A, p.Gln87= (NM_001042410.2); c.-266-450G>A (NM_001282792.2).
Identifiers: ClinVar variation 2040626 (VCV002040626.4), dbSNP rs1371688732, ClinGen allele CA431277137.

ClinVar aggregate classification (germline): Uncertain significance (1 of 4 stars; one submission).

Allele frequency attached by ClinVar (database versions not stated): gnomAD exomes below 0.00001.

Submission:

Labcorp Genetics (formerly Invitae), Labcorp
Classification: Uncertain significance. Last evaluated: 2021-12-12. Review status: criteria provided, single submitter. Criteria: Invitae Variant Classification Sherloc (09022015). Collection method: clinical testing. Allele origin: germline.
Comment: This variant is present in population databases (no rsID available, gnomAD 0.0009%). In summary, the available evidence is currently insufficient to determine the role of this variant in disease. Therefore, it has been classified as a Variant of Uncertain Significance. Variants that disrupt the consensus splice site are a relatively common cause of aberrant splicing (PMID: 17576681, 9536098). Algorithms developed to predict the effect of sequence changes on RNA splicing suggest that this variant may disrupt the consensus splice site. This variant has not been reported in the literature in individuals affected with ANKZF1-related conditions. This sequence change affects codon 87 of the ANKZF1 mRNA. It is a 'silent' change, meaning that it does not change the encoded amino acid sequence of the ANKZF1 protein. This variant also falls at the last nucleotide of exon 3, which is part of the consensus splice site for this exon.

Literature cited by the submitters: PubMed 17576681; PubMed 9536098.